The following is an entry in ClinVar:

ClinVar aggregate classification (germline): Uncertain significance. Review status: criteria provided, multiple submitters, no conflicts (2 of 4 stars). 2 submissions from 2 submitters: Uncertain significance (2). Last evaluated 2024-06-17.

Conditions:
Inborn genetic diseases. Identifiers: MedGen C0950123, MeSH D030342.

Allele frequency attached by ClinVar (database versions not stated): gnomAD exomes below 0.00001; TOPMed below 0.00001.
gnomAD v4.1: 3 of 1,614,152 alleles (0.00019%); highest among the groups gnomAD compares: Non-Finnish European, 0.00025%; no homozygotes.

Submissions (2):

Ambry Genetics
Classification: Uncertain significance for Inborn genetic diseases. Last evaluated: 2024-06-17. Review status: criteria provided, single submitter. Criteria: Ambry Variant Classification Scheme 2023. Collection method: clinical testing. Allele origin: germline.

Labcorp Genetics (formerly Invitae), Labcorp
Classification: Uncertain significance. Last evaluated: 2021-08-19. Review status: criteria provided, single submitter. Criteria: Invitae Variant Classification Sherloc (09022015). Collection method: clinical testing. Allele origin: germline.
Comment: This variant has not been reported in the literature in individuals affected with LAMC3-related conditions. This variant is not present in population databases (ExAC no frequency). This sequence change replaces proline with serine at codon 731 of the LAMC3 protein (p.Pro731Ser). The proline residue is moderately conserved and there is a moderate physicochemical difference between proline and serine. Algorithms developed to predict the effect of missense changes on protein structure and function (SIFT, PolyPhen-2, Align-GVGD) all suggest that this variant is likely to be tolerated. In summary, the available evidence is currently insufficient to determine the role of this variant in disease. Therefore, it has been classified as a Variant of Uncertain Significance.

NM_006059.4(LAMC3):c.2191C>T (p.Pro731Ser)

Gene: LAMC3 (laminin subunit gamma 3; plus strand). Cytogenetic location: 9q34.12.
Variant type: single nucleotide variant.
Coding change: c.2191C>T on transcript NM_006059.4 (MANE Select); coding-DNA position 2191, C replaced by T.
Protein change: p.Pro731Ser; replaces proline 731 with serine.
Molecular consequence: missense variant.
Genome position (GRCh38, 1-based): chr9:131,061,067, C>T. VCF-style: chr9-131061067-C-T. GRCh37 (hg19) VCF-style: chr9-133936454-C-T.
Other names: c.2191C>T (NM_006059.3); short protein forms P731S.
Identifiers: ClinVar variation 1376329 (VCV001376329.7), dbSNP rs1196109015, ClinGen allele CA375266744.
Genomic context (GRCh38, chr9:131,061,067, plus strand): 5'-AGACAGTGGTGCTTGTCTTGCCCCTCAGGGATCTGTGTCTGCAGCCACCATACCGAGGGC[C>T]CATCCTGTGAACGCTGTTTGCCAGGTTTCTATGGCAACCCTTTCGCGGGCCAAGCCGACG-3'
Protein context (NP_006050.3, residues 721-741): ICVCSHHTEG[Pro731Ser]SCERCLPGFY